The following is an entry in ClinVar:

NM_001371623.1(TCOF1):c.*22+1G>A

Genes: TCOF1 (treacle ribosome biogenesis factor 1; plus strand), LOC129994989 (ATAC-STARR-seq lymphoblastoid active region 23402; plus strand). Cytogenetic location: 5q32.
Variant type: single nucleotide variant.
Coding change: c.*22+1G>A on transcript NM_001371623.1 (MANE Select); the canonical splice donor site of the intron after 22 bases downstream of the stop codon, G replaced by A.
Molecular consequence: splice donor variant.
Genome position (GRCh38, 1-based): chr5:150,399,071, G>A. VCF-style: chr5-150399071-G-A. GRCh37 (hg19) VCF-style: chr5-149778634-G-A.
Other names: c.*22+1G>A (NM_001135243.2, NM_001135244.2, NM_001195141.2 and 2 more transcripts).
Identifiers: ClinVar variation 1704715 (VCV001704715.2), dbSNP rs2534687722, ClinGen allele CA2580073998.
Genomic context (GRCh38, chr5:150,399,071, plus strand): 5'-CCTCCTCACAGAAGAAGACAGCAGAGCAGACTGTATGACGAGCACCAGCACCAGGCACAG[G>A]TACGCTTCCCAATCATTCCTGAGCATTCAGGGTGGGAGGACAGCTCTGGTGTCCCCTGTG-3'

ClinVar aggregate classification (germline): Uncertain significance (1 of 4 stars; one submission).

Allele frequency attached by ClinVar (database versions not stated): gnomAD exomes below 0.00001.
gnomAD v4.1: 2 of 1,614,244 alleles (0.00012%); highest among the groups gnomAD compares: Non-Finnish European, 0.00017%; no homozygotes.

Submission:

GeneDx
Classification: Uncertain significance. Last evaluated: 2022-03-05. Review status: criteria provided, single submitter. Criteria: GeneDx Variant Classification Process June 2021. Collection method: clinical testing. Allele origin: germline. Affected: yes.
Comment: Not observed at significant frequency in large population cohorts (gnomAD); Canonical splice site at 3' UTR predicted to cause skipping of exon 26 which contain stop codon, the effect may affect RNA stability.; Has not been previously published as pathogenic or benign to our knowledge